The following is an entry in ClinVar:

ClinVar aggregate classification (germline): Pathogenic (1 of 4 stars; one submission).

Submission:

GeneDx
Classification: Pathogenic. Last evaluated: 2017-12-04. Review status: criteria provided, single submitter. Criteria: GeneDx Variant Classification (06012015). Collection method: clinical testing. Allele origin: germline. Affected: yes.
Comment: The c.694-2 A>C splice site variant in the COL1A2 gene has been previously reported in association with osteogenesis imperfecta (Bardai et al., 2016). This pathogenic variant destroys the canonical splice acceptor site in intron 14, and is expected to cause abnormal gene splicing. The c.694-2 A>C variant is not observed in large population cohorts (Lek et al., 2016). An alternate nucleotide change at the same nucleotide position (c.694-2 A>G ) has been reported in the Human Gene Mutation Database in association with osteogenesis imperfecta (Stenson et al., 2014), supporting the deleterious effect expected to result from a change at this position. Therefore, we classify this variant as pathogenic

NM_000089.4(COL1A2):c.694-2A>C

Gene: COL1A2 (collagen type I alpha 2 chain; plus strand). Cytogenetic location: 7q21.3.
Variant type: single nucleotide variant.
Coding change: c.694-2A>C on transcript NM_000089.4 (MANE Select); the canonical splice acceptor site of the intron before coding-DNA position 694, A replaced by C.
Molecular consequence: splice acceptor variant.
Genome position (GRCh38, 1-based): chr7:94,408,334, A>C. VCF-style: chr7-94408334-A-C. GRCh37 (hg19) VCF-style: chr7-94037646-A-C.
Identifiers: ClinVar variation 488992 (VCV000488992.2), dbSNP rs1554395903, ClinGen allele CA368220327.